The following is an entry in ClinVar:

NM_024640.4(YRDC):c.27G>T (p.Gly9=)

Genes: C1orf122 (chromosome 1 open reading frame 122; plus strand), YRDC (yrdC N6-threonylcarbamoyltransferase domain containing; minus strand). Cytogenetic location: 1p34.3.
Variant type: single nucleotide variant.
Coding change: c.27G>T on transcript NM_024640.4 (MANE Select); coding-DNA position 27, G replaced by T.
Protein change: p.Gly9=; no amino-acid change (glycine 9 retained).
Molecular consequence: synonymous variant. On other transcripts: 5 prime UTR variant (2).
Genome position (GRCh38, 1-based): chr1:37,808,154, C>A on the plus strand (G>T on the coding strand, the complement: YRDC is on the minus strand). VCF-style: chr1-37808154-C-A. GRCh37 (hg19) VCF-style: chr1-38273826-C-A.
Other names: c.27G>T (NM_024640.3); c.-307C>A (NM_001142726.2); c.-251C>A (NM_198446.3).
Identifiers: ClinVar variation 2867379 (VCV002867379.4), dbSNP rs1023210520, ClinGen allele CA20851843.
Genomic context (GRCh38, chr1:37,808,154, plus strand): 5'-GCTCCGGGAGCCAGCAGGCCCCTCGCTCAACCCCACGCTGGCAGCCACCGCGGCCCTCAT[C>A]CCCCTGCACCGACGCGCCGGAGACATCCGCCCAGGCCCGCTTCCGGGAGGAAGTGACGCT-3'
Protein context (NP_078916.3, residues 1-19): MSPARRCR[Gly9=]MRAAVAASVG

ClinVar aggregate classification (germline): Benign/Likely benign. Review status: criteria provided, multiple submitters, no conflicts (2 of 4 stars). 2 submissions from 2 submitters: Benign (1); Likely benign (1). Last evaluated 2025-06-12.

Conditions:
YRDC-related disorder. Also called: YRDC-related condition.

gnomAD v4.1: 194 of 1,465,848 alleles (0.013%); highest among the groups gnomAD compares: African/African-American, 0.24%; no homozygotes.

Submissions (2):

Labcorp Genetics (formerly Invitae), Labcorp
Classification: Benign. Last evaluated: 2025-06-12. Review status: criteria provided, single submitter. Criteria: Invitae Variant Classification Sherloc (09022015). Collection method: clinical testing. Allele origin: germline.

PreventionGenetics, part of Exact Sciences
Classification: Likely benign for YRDC-related condition. Last evaluated: 2025-05-06. Review status: criteria provided, single submitter. Criteria: ACMG Guidelines, 2015. Collection method: clinical testing. Allele origin: germline.
Comment: This variant is classified as likely benign based on ACMG/AMP sequence variant interpretation guidelines (Richards et al. 2015 PMID: 25741868, with internal and published modifications).